The following is an entry in ClinVar:

NM_000092.5(COL4A4):c.754G>A (p.Gly252Ser)

Gene: COL4A4 (collagen type IV alpha 4 chain; minus strand). Cytogenetic location: 2q36.3.
Variant type: single nucleotide variant.
Coding change: c.754G>A on transcript NM_000092.5 (MANE Select); coding-DNA position 754, G replaced by A.
Protein change: p.Gly252Ser; replaces glycine 252 with serine.
Molecular consequence: missense variant.
Genome position (GRCh38, 1-based): chr2:227,104,034, C>T on the plus strand (G>A on the coding strand, the complement: COL4A4 is on the minus strand). VCF-style: chr2-227104034-C-T. GRCh37 (hg19) VCF-style: chr2-227968750-C-T.
Other names: short protein forms G252S.
Identifiers: ClinVar variation 1285413 (VCV001285413.10), dbSNP rs2060673883, ClinGen allele CA350858411.

ClinVar aggregate classification (germline): Conflicting classifications of pathogenicity. Review status: criteria provided, conflicting classifications (1 of 4 stars). 3 submissions from 3 submitters: Likely pathogenic (2); Uncertain significance (1). Last evaluated 2024-06-15.

Conditions:
Hematuria, benign familial, 1 (BFH1). Also called: THIN MEMBRANE NEPHROPATHY. Identifiers: MedGen CN376803, MONDO:0007709, OMIM 141200.
Autosomal recessive Alport syndrome (ATS2). Also called: Alport syndrome type 2; COL4A3-Related Nephropathy; COL4A4 Alport Syndrome and Thin Basement Membrane Nephropathy; ALPORT SYNDROME 2, AUTOSOMAL RECESSIVE. Identifiers: Orphanet 63, Orphanet 88919, MedGen C4746745, MONDO:0008762, OMIM 203780.

Allele frequency attached by ClinVar (database versions not stated): gnomAD exomes below 0.00001; TOPMed below 0.00001; gnomAD 0.00001.
gnomAD v4.1: 3 of 1,612,986 alleles (0.00019%); highest among the groups gnomAD compares: Non-Finnish European, 0.00025%; no homozygotes.

Submissions (3):

Fulgent Genetics
Classification: Likely pathogenic for Hematuria, benign familial, 1; Autosomal recessive Alport syndrome. Last evaluated: 2024-06-15. Review status: criteria provided, single submitter. Criteria: ACMG Guidelines, 2015. Collection method: clinical testing. Allele origin: germline.

Labcorp Genetics (formerly Invitae), Labcorp
Classification: Uncertain significance. Last evaluated: 2021-06-28. Review status: criteria provided, single submitter. Criteria: Invitae Variant Classification Sherloc (09022015). Collection method: clinical testing. Allele origin: germline.
Comment: In summary, the available evidence is currently insufficient to determine the role of this variant in disease. Therefore, it has been classified as a Variant of Uncertain Significance. Algorithms developed to predict the effect of missense changes on protein structure and function are either unavailable or do not agree on the potential impact of this missense change (SIFT: "Deleterious"; PolyPhen-2: "Probably Damaging"; Align-GVGD: "Class C0"). This variant has not been reported in the literature in individuals with COL4A4-related conditions. This variant is not present in population databases (ExAC no frequency). This sequence change replaces glycine with serine at codon 252 of the COL4A4 protein (p.Gly252Ser). The glycine residue is highly conserved and there is a small physicochemical difference between glycine and serine.

Institute of Human Genetics, University of Leipzig Medical Center
Classification: Likely pathogenic for Autosomal recessive Alport syndrome. Last evaluated: 2020-10-15. Review status: criteria provided, single submitter. Criteria: ACMG Guidelines, 2015. Collection method: clinical testing. Allele origin: unknown. Affected: yes.